The following is an entry in ClinVar:

NM_001128178.3(NPHP1):c.404A>G (p.Asp135Gly)

Gene: NPHP1 (nephrocystin 1; minus strand). Cytogenetic location: 2q13.
Variant type: single nucleotide variant.
Coding change: c.404A>G on transcript NM_001128178.3 (MANE Select); coding-DNA position 404, A replaced by G.
Protein change: p.Asp135Gly; replaces aspartic acid 135 with glycine.
Molecular consequence: missense variant.
Genome position (GRCh38, 1-based): chr2:110,169,924, T>C on the plus strand (A>G on the coding strand, the complement: NPHP1 is on the minus strand). VCF-style: chr2-110169924-T-C. GRCh37 (hg19) VCF-style: chr2-110927501-T-C.
Other names: c.404A>G, p.Asp135Gly (NM_000272.5, NM_001374256.1, NM_001374257.1 and 1 more transcripts); c.218A>G, p.Asp73Gly (NM_001128179.3); short protein forms D73G, D135G.
Identifiers: ClinVar variation 1486161 (VCV001486161.7), dbSNP rs747176517, ClinGen allele CA1827400.

ClinVar aggregate classification (germline): Uncertain significance. Review status: criteria provided, multiple submitters, no conflicts (2 of 4 stars). 2 submissions from 2 submitters: Uncertain significance (2). Last evaluated 2022-07-04.

Conditions:
Nephronophthisis. Also called: Juvenile Nephronophthisis. Identifiers: Orphanet 655, MedGen C0687120, MONDO:0019005, HP:0000090.
Senior-Loken syndrome 1 (SLSN1). Also called: JUVENILE NEPHRONOPHTHISIS WITH LEBER AMAUROSIS. Identifiers: Orphanet 3156, MedGen C4551559, MONDO:0009962, OMIM 266900.
Joubert syndrome with renal defect. Also called: JOUBERT SYNDROME 4. Identifiers: Orphanet 220497, MedGen C1846790, MONDO:0012308, OMIM 609583.
Nephronophthisis 1 (NPHP1). Also called: Nephronophthisis familial juvenile. Identifiers: Orphanet 655, Orphanet 93592, MedGen C1855681, MONDO:0009728, OMIM 256100.

Allele frequency attached by ClinVar (database versions not stated): gnomAD exomes below 0.00001 and 0.00001; ExAC 0.00001.
gnomAD v4.1: 7 of 1,606,592 alleles (0.00044%); highest among the groups gnomAD compares: Non-Finnish European, 0.0006%; no homozygotes.

Submissions (2):

Labcorp Genetics (formerly Invitae), Labcorp
Classification: Uncertain significance for Nephronophthisis. Last evaluated: 2022-07-04. Review status: criteria provided, single submitter. Criteria: Invitae Variant Classification Sherloc (09022015). Collection method: clinical testing. Allele origin: germline.
Comment: In summary, the available evidence is currently insufficient to determine the role of this variant in disease. Therefore, it has been classified as a Variant of Uncertain Significance. Algorithms developed to predict the effect of sequence changes on RNA splicing suggest that this variant may create or strengthen a splice site. Algorithms developed to predict the effect of missense changes on protein structure and function output the following: SIFT: "Deleterious"; PolyPhen-2: "Benign"; Align-GVGD: "Class C0". The glycine amino acid residue is found in multiple mammalian species, which suggests that this missense change does not adversely affect protein function. ClinVar contains an entry for this variant (Variation ID: 1486161). This variant has not been reported in the literature in individuals affected with NPHP1-related conditions. This variant is present in population databases (rs747176517, gnomAD 0.0009%). This sequence change replaces aspartic acid, which is acidic and polar, with glycine, which is neutral and non-polar, at codon 135 of the NPHP1 protein (p.Asp135Gly).

Fulgent Genetics
Classification: Uncertain significance for Nephronophthisis 1; Senior-Loken syndrome 1; Joubert syndrome with renal defect. Last evaluated: 2021-11-05. Review status: criteria provided, single submitter. Criteria: ACMG Guidelines, 2015. Collection method: clinical testing. Allele origin: unknown.